The following is an entry in ClinVar:

NM_003242.6(TGFBR2):c.202A>G (p.Met68Val)

Gene: TGFBR2 (transforming growth factor beta receptor 2; plus strand). Cytogenetic location: 3p24.1.
Variant type: single nucleotide variant.
Coding change: c.202A>G on transcript NM_003242.6 (MANE Select); coding-DNA position 202, A replaced by G.
Protein change: p.Met68Val; replaces methionine 68 with valine.
Molecular consequence: missense variant. On other transcripts: intron variant (2).
Genome position (GRCh38, 1-based): chr3:30,644,854, A>G. VCF-style: chr3-30644854-A-G. GRCh37 (hg19) VCF-style: chr3-30686346-A-G.
Other names: c.277A>G, p.Met93Val (NM_001024847.3, NM_001407126.1, NM_001407139.1); c.202A>G, p.Met68Val (NM_001407127.1, NM_001407130.1); c.229A>G, p.Met77Val (NM_001407128.1); c.97A>G, p.Met33Val (NM_001407129.1, NM_001407132.1, NM_001407133.1 and 3 more transcripts); c.169+21581A>G (NM_001407137.1); c.95-26784A>G (NM_001407138.1); short protein forms M33V, M93V, M68V, M77V.
Identifiers: ClinVar variation 2920260 (VCV002920260.4), dbSNP rs1060501985, ClinGen allele CA351806535.

ClinVar aggregate classification (germline): Conflicting classifications of pathogenicity. Review status: criteria provided, conflicting classifications (1 of 4 stars). 3 submissions from 3 submitters: Uncertain significance (2); Likely benign (1). Last evaluated 2023-03-04.

Conditions:
Diabetic retinopathy. Identifiers: MedGen C0011884, MONDO:0005266.
Loeys-Dietz syndrome 2 (LDS2). Also called: TGFBR2-Related Loeys-Dietz Syndrome; AORTIC ANEURYSM, FAMILIAL THORACIC 3; Marfan syndrome, type 2 (formerly); Marfan Syndrome type 2; Marfan like connective tissue disorder; MFS 2. Identifiers: Orphanet 284973, Orphanet 558, MedGen C2674574, MONDO:0012427, OMIM 610168.
Familial thoracic aortic aneurysm and aortic dissection (TAAD). Also called: Thoracic aortic aneurysms and dissections. Identifiers: Orphanet 91387, MedGen C4707243, MONDO:0019625.

Allele frequency attached by ClinVar (database versions not stated): gnomAD 0.00001; TOPMed 0.00001.
gnomAD v4.1: 13 of 1,614,068 alleles (0.00081%); highest among the groups gnomAD compares: Admixed American, 0.0017%; no homozygotes.

Submissions (3):

All of Us Research Program, National Institutes of Health
Classification: Uncertain significance for Loeys-Dietz syndrome 2. Last evaluated: 2023-03-04. Review status: criteria provided, single submitter. Criteria: ACMG Guidelines, 2015. Collection method: clinical testing. Allele origin: germline. Inheritance: Autosomal dominant inheritance. Observed: 1 variant allele, 1 heterozygote.
Comment: This missense variant replaces methionine with valine at codon 68 of the TGFBR2 protein. Computational prediction suggests that this variant may not impact protein structure and function (internally defined REVEL score threshold <= 0.5, PMID: 27666373). To our knowledge, functional studies have not been reported for this variant. This variant has not been reported in individuals affected with cardiovascular disorders in the literature. This variant has been identified in 2/251120 chromosomes in the general population by the Genome Aggregation Database (gnomAD). The available evidence is insufficient to determine the role of this variant in disease conclusively. Therefore, this variant is classified as a Variant of Uncertain Significance.

This study involves interpretation of variants in research participants for the purpose of population health screening. Participant phenotype was not available at the time of variant classification. Additional details can be found in publication PMID: 35346344, PMCID: PMC8962531

Labcorp Genetics (formerly Invitae), Labcorp
Classification: Uncertain significance for Familial thoracic aortic aneurysm and aortic dissection. Last evaluated: 2022-11-24. Review status: criteria provided, single submitter. Criteria: Invitae Variant Classification Sherloc (09022015). Collection method: clinical testing. Allele origin: germline.
Comment: This sequence change replaces methionine, which is neutral and non-polar, with valine, which is neutral and non-polar, at codon 68 of the TGFBR2 protein (p.Met68Val). This variant is present in population databases (no rsID available, gnomAD 0.003%). This variant has not been reported in the literature in individuals affected with TGFBR2-related conditions. Advanced modeling of protein sequence and biophysical properties (such as structural, functional, and spatial information, amino acid conservation, physicochemical variation, residue mobility, and thermodynamic stability) performed at Invitae indicates that this missense variant is not expected to disrupt TGFBR2 protein function. In summary, the available evidence is currently insufficient to determine the role of this variant in disease. Therefore, it has been classified as a Variant of Uncertain Significance.

Clinical Genomics, Uppaluri K&H Personalized Medicine Clinic
Classification: Likely benign for Diabetic retinopathy. Review status: criteria provided, single submitter. Criteria: K And H Uppaluri Personalized Medicine Clinic Variant Classification And Assertion Criteria Updated V 2. Collection method: research. Allele origin: unknown.
Comment: Potent mutations in TGFBR2 gene encodes the transforming growth factor that have been associated with angiogenesis and diabetic retinopathy. More clinical studies are needed for stronger association. However, more evidence is required to confer the association of this particular variant rs1060501985 with diabetic retinopathy.

Literature cited by the submitters: PubMed 30222965 (cited by Clinical Genomics, Uppaluri K&H Personalized Medicine Clinic); PubMed 28162229 (cited by Clinical Genomics, Uppaluri K&H Personalized Medicine Clinic); PubMed 34572573 (cited by Clinical Genomics, Uppaluri K&H Personalized Medicine Clinic).